The following is an entry in ClinVar:

NM_178170.3(NEK8):c.1078C>T (p.Pro360Ser)

Gene: NEK8 (NIMA related kinase 8; plus strand). Cytogenetic location: 17q11.2.
Variant type: single nucleotide variant.
Coding change: c.1078C>T on transcript NM_178170.3 (MANE Select); coding-DNA position 1078, C replaced by T.
Protein change: p.Pro360Ser; replaces proline 360 with serine.
Molecular consequence: missense variant.
Genome position (GRCh38, 1-based): chr17:28,738,101, C>T. VCF-style: chr17-28738101-C-T. GRCh37 (hg19) VCF-style: chr17-27065119-C-T.
Other names: short protein forms P360S.
Identifiers: ClinVar variation 1403644 (VCV001403644.7), dbSNP rs368688884, ClinGen allele CA8467304.

ClinVar aggregate classification (germline): Uncertain significance. Review status: criteria provided, multiple submitters, no conflicts (2 of 4 stars). 2 submissions from 2 submitters: Uncertain significance (2). Last evaluated 2025-09-10.

Conditions:
Nephronophthisis 9 (NPHP9). Identifiers: Orphanet 655, MedGen C3151188, MONDO:0013444, OMIM 613824.
Renal-hepatic-pancreatic dysplasia 2 (RHPD2). Identifiers: MedGen C3809434, MONDO:0014174, OMIM 615415.

Allele frequency attached by ClinVar (database versions not stated): ExAC 0.00005; gnomAD exomes 0.00006.
gnomAD v4.1: 16 of 1,613,576 alleles (0.00099%); highest among the groups gnomAD compares: Admixed American, 0.027%; no homozygotes.

Submissions (2):

Labcorp Genetics (formerly Invitae), Labcorp
Classification: Uncertain significance for Nephronophthisis 9. Last evaluated: 2025-09-10. Review status: criteria provided, single submitter. Criteria: Invitae Variant Classification Sherloc (09022015). Collection method: clinical testing. Allele origin: germline.
Comment: This sequence change replaces proline, which is neutral and non-polar, with serine, which is neutral and polar, at codon 360 of the NEK8 protein (p.Pro360Ser). This variant is present in population databases (rs368688884, gnomAD 0.03%). This variant has not been reported in the literature in individuals affected with NEK8-related conditions. ClinVar contains an entry for this variant (Variation ID: 1403644). An algorithm developed to predict the effect of missense changes on protein structure and function (PolyPhen-2) suggests that this variant is likely to be tolerated. In summary, the available evidence is currently insufficient to determine the role of this variant in disease. Therefore, it has been classified as a Variant of Uncertain Significance.

Fulgent Genetics
Classification: Uncertain significance for Nephronophthisis 9; Renal-hepatic-pancreatic dysplasia 2. Last evaluated: 2021-11-02. Review status: criteria provided, single submitter. Criteria: ACMG Guidelines, 2015. Collection method: clinical testing. Allele origin: unknown.